The following is an entry in ClinVar:

ClinVar aggregate classification (germline): Uncertain significance (1 of 4 stars; one submission).

Conditions:
Combined oxidative phosphorylation deficiency. Identifiers: MedGen C4540031, MONDO:0000732.
Charcot-Marie-Tooth Neuropathy X. Identifiers: MedGen CN118851.

gnomAD v4.1: 3 of 1,127,768 alleles (0.00027%); highest among the groups gnomAD compares: Non-Finnish European, 0.00037%; no homozygotes.

Submission:

Labcorp Genetics (formerly Invitae), Labcorp
Classification: Uncertain significance for Charcot-Marie-Tooth Neuropathy X; Combined oxidative phosphorylation deficiency. Last evaluated: 2022-10-14. Review status: criteria provided, single submitter. Criteria: Invitae Variant Classification Sherloc (09022015). Collection method: clinical testing. Allele origin: germline.
Comment: In summary, the available evidence is currently insufficient to determine the role of this variant in disease. Therefore, it has been classified as a Variant of Uncertain Significance. Algorithms developed to predict the effect of sequence changes on RNA splicing suggest that this variant may disrupt the consensus splice site. This variant has not been reported in the literature in individuals affected with AIFM1-related conditions. This variant is not present in population databases (gnomAD no frequency). This sequence change falls in intron 5 of the AIFM1 gene. It does not directly change the encoded amino acid sequence of the AIFM1 protein.

NM_004208.4(AIFM1):c.606-14T>A

Genes: AIFM1 (apoptosis inducing factor mitochondria associated 1; minus strand), RAB33A (RAB33A, member RAS oncogene family; plus strand). Cytogenetic location: Xq26.1.
Variant type: single nucleotide variant.
Coding change: c.606-14T>A on transcript NM_004208.4 (MANE Select); 14 bases into the intron before coding-DNA position 606, T replaced by A.
Molecular consequence: intron variant.
Genome position (GRCh38, 1-based): chrX:130,145,583, A>T on the plus strand (T>A on the coding strand, the complement: AIFM1 is on the minus strand). VCF-style: chrX-130145583-A-T. GRCh37 (hg19) VCF-style: chrX-129279558-A-T.
Other names: c.594-14T>A (NM_145812.3); c.606-14T>A (NM_001130847.4).
Identifiers: ClinVar variation 2029955 (VCV002029955.4), dbSNP rs187719053, ClinGen allele CA2580101502.